The following is an entry in ClinVar:

ClinVar aggregate classification (germline): Uncertain significance (1 of 4 stars; one submission).

Submission:

Labcorp Genetics (formerly Invitae), Labcorp
Classification: Uncertain significance. Last evaluated: 2023-11-02. Review status: criteria provided, single submitter. Criteria: Invitae Variant Classification Sherloc (09022015). Collection method: clinical testing. Allele origin: germline.
Comment: This sequence change affects codon 30 of the MOCS3 mRNA. It is a 'silent' change, meaning that it does not change the encoded amino acid sequence of the MOCS3 protein. This variant is not present in population databases (gnomAD no frequency). This variant has not been reported in the literature in individuals affected with MOCS3-related conditions. In summary, the available evidence is currently insufficient to determine the role of this variant in disease. Therefore, it has been classified as a Variant of Uncertain Significance.

NM_014484.5(MOCS3):c.90G>C (p.Ser30=)

Gene: MOCS3 (molybdenum cofactor synthesis 3; plus strand). Cytogenetic location: 20q13.13.
Variant type: single nucleotide variant.
Coding change: c.90G>C on transcript NM_014484.5 (MANE Select); coding-DNA position 90, G replaced by C.
Protein change: p.Ser30=; no amino-acid change (serine 30 retained).
Molecular consequence: synonymous variant.
Genome position (GRCh38, 1-based): chr20:50,958,932, G>C. VCF-style: chr20-50958932-G-C. GRCh37 (hg19) VCF-style: chr20-49575469-G-C.
Identifiers: ClinVar variation 2692698 (VCV002692698.3), dbSNP rs1378460763, ClinGen allele CA511022340.